The following is an entry in ClinVar:

ClinVar aggregate classification (germline): Likely benign. Review status: criteria provided, multiple submitters, no conflicts (2 of 4 stars). 2 submissions from 2 submitters: Likely benign (2). Last evaluated 2018-07-26.

Conditions:
Hyperuricemia, pulmonary hypertension, renal failure, alkalosis syndrome (HUPRAS). Also called: HYPERURICEMIA, PULMONARY HYPERTENSION, RENAL FAILURE, AND ALKALOSIS SYNDROME; HUPRA SYNDROME. Identifiers: Orphanet 363694, MedGen C3151209, MONDO:0013458, OMIM 613845.

Allele frequency attached by ClinVar (database versions not stated): gnomAD 0.00004 and 0.00080; TOPMed 0.00014; gnomAD exomes 0.00234; ExAC 0.00288; 1000 Genomes Project 30x 0.00531; 1000 Genomes Project 0.00579.
gnomAD v4.1: 1,568 of 1,294,880 alleles (0.12%); highest among the groups gnomAD compares: South Asian, 1.9%; 29 homozygotes.

Submissions (2):

GeneDx
Classification: Likely benign. Last evaluated: 2018-07-26. Review status: criteria provided, single submitter. Criteria: GeneDx Variant Classification Process June 2021. Collection method: clinical testing. Allele origin: germline. Affected: yes.

Illumina Laboratory Services, Illumina
Classification: Likely benign for Hyperuricemia, pulmonary hypertension, renal failure, alkalosis syndrome. Last evaluated: 2018-01-13. Review status: criteria provided, single submitter. Criteria: ICSL Variant Classification Criteria 13 December 2019. Collection method: clinical testing. Allele origin: germline.
Comment: This variant was observed in the ICSL laboratory as part of a predisposition screen in an ostensibly healthy population. It had not been previously curated by ICSL or reported in the Human Gene Mutation Database (HGMD: prior to June 1st, 2018), and was therefore a candidate for classification through an automated scoring system. Utilizing variant allele frequency, disease prevalence and penetrance estimates, and inheritance mode, an automated score was calculated to assess if this variant is too frequent to cause the disease. Based on the score and internal cut-off values, a variant classified as likely benign is not then subjected to further curation. The score for this variant resulted in a classification of likely benign for this disease.

NM_017827.4(SARS2):c.*116C>T

Gene: SARS2 (seryl-tRNA synthetase 2, mitochondrial; minus strand). Cytogenetic location: 19q13.2.
Variant type: single nucleotide variant.
Coding change: c.*116C>T on transcript NM_017827.4 (MANE Select); 116 bases downstream of the stop codon, C replaced by T.
Molecular consequence: 3 prime UTR variant.
Genome position (GRCh38, 1-based): chr19:38,915,490, G>A on the plus strand (C>T on the coding strand, the complement: SARS2 is on the minus strand). VCF-style: chr19-38915490-G-A. GRCh37 (hg19) VCF-style: chr19-39406130-G-A.
Other names: c.*116C>T (NM_001145901.2).
Identifiers: ClinVar variation 893232 (VCV000893232.7), dbSNP rs563670346, ClinGen allele CA9422650.